The following is an entry in ClinVar:

ClinVar aggregate classification (germline): Likely pathogenic (1 of 4 stars; one submission).

Conditions:
Neuronal ceroid lipofuscinosis. Also called: Neuronal Ceroid Lipofuscinoses. Identifiers: Orphanet 216, Orphanet 79263, MedGen C0027877, MONDO:0016295. Disease mechanism: loss of function.

Submission:

Labcorp Genetics (formerly Invitae), Labcorp
Classification: Likely pathogenic for Neuronal ceroid lipofuscinosis. Last evaluated: 2023-03-01. Review status: criteria provided, single submitter. Criteria: Invitae Variant Classification Sherloc (09022015). Collection method: clinical testing. Allele origin: germline.
Comment: In summary, the currently available evidence indicates that the variant is pathogenic, but additional data are needed to prove that conclusively. Therefore, this variant has been classified as Likely Pathogenic. Algorithms developed to predict the effect of sequence changes on RNA splicing suggest that this variant may disrupt the consensus splice site. ClinVar contains an entry for this variant (Variation ID: 2129789). This variant has not been reported in the literature in individuals affected with CLN5-related conditions. This variant is not present in population databases (gnomAD no frequency). This sequence change affects a donor splice site in intron 2 of the CLN5 gene. It is expected to disrupt RNA splicing. Variants that disrupt the donor or acceptor splice site typically lead to a loss of protein function (PMID: 16199547), and loss-of-function variants in CLN5 are known to be pathogenic (PMID: 20157158).

Literature cited by the submitters: PubMed 16199547; PubMed 20157158.

NM_006493.4(CLN5):c.339+1G>T

Gene: CLN5 (CLN5 lysosomal BMP synthase; plus strand). Cytogenetic location: 13q22.3.
Variant type: single nucleotide variant.
Coding change: c.339+1G>T on transcript NM_006493.4 (MANE Select); the canonical splice donor site of the intron after coding-DNA position 339, G replaced by T.
Molecular consequence: splice donor variant.
Genome position (GRCh38, 1-based): chr13:76,995,229, G>T. VCF-style: chr13-76995229-G-T. GRCh37 (hg19) VCF-style: chr13-77569364-G-T.
Other names: c.339+1G>T (NM_001366624.2).
Identifiers: ClinVar variation 2129789 (VCV002129789.4), dbSNP rs2501136089, ClinGen allele CA388308452.